The following is an entry in ClinVar:

NM_000824.5(GLRB):c.1197+4A>T

Gene: GLRB (glycine receptor beta; plus strand). Cytogenetic location: 4q32.1.
Variant type: single nucleotide variant.
Coding change: c.1197+4A>T on transcript NM_000824.5 (MANE Select); 4 bases into the intron after coding-DNA position 1197, A replaced by T.
Molecular consequence: intron variant.
Genome position (GRCh38, 1-based): chr4:157,153,014, A>T. VCF-style: chr4-157153014-A-T. GRCh37 (hg19) VCF-style: chr4-158074166-A-T.
Other names: c.904+9055A>T (NM_001166061.2); c.1197+4A>T (NM_001166060.2).
Identifiers: ClinVar variation 1423372 (VCV001423372.4), dbSNP rs1007979267, ClinGen allele CA109165641.

ClinVar aggregate classification (germline): Uncertain significance (1 of 4 stars; one submission).

Conditions:
Hyperekplexia 2 (HKPX2). Identifiers: Orphanet 3197, MedGen C3553291, MONDO:0013828, OMIM 614619.

Allele frequency attached by ClinVar (database versions not stated): gnomAD exomes below 0.00001.
gnomAD v4.1: 4 of 1,610,616 alleles (0.00025%); highest among the groups gnomAD compares: Non-Finnish European, 0.00034%; no homozygotes.

Submission:

Labcorp Genetics (formerly Invitae), Labcorp
Classification: Uncertain significance for Hyperekplexia 2. Last evaluated: 2024-05-15. Review status: criteria provided, single submitter. Criteria: Invitae Variant Classification Sherloc (09022015). Collection method: clinical testing. Allele origin: germline.
Comment: This sequence change falls in intron 9 of the GLRB gene. It does not directly change the encoded amino acid sequence of the GLRB protein. It affects a nucleotide within the consensus splice site. This variant is not present in population databases (gnomAD no frequency). This variant has not been reported in the literature in individuals affected with GLRB-related conditions. ClinVar contains an entry for this variant (Variation ID: 1423372). Variants that disrupt the consensus splice site are a relatively common cause of aberrant splicing (PMID: 17576681, 9536098). Algorithms developed to predict the effect of sequence changes on RNA splicing suggest that this variant is not likely to affect RNA splicing. In summary, the available evidence is currently insufficient to determine the role of this variant in disease. Therefore, it has been classified as a Variant of Uncertain Significance.

Literature cited by the submitters: PubMed 17576681; PubMed 9536098.